The following is an entry in ClinVar:

ClinVar aggregate classification (germline): Likely benign (0 of 4 stars; one submission).

Conditions:
PLXNA3-related disorder. Also called: PLXNA3-related condition.

Submission:

PreventionGenetics, part of Exact Sciences
Classification: Likely benign for PLXNA3-related condition. Last evaluated: 2022-09-27. Review status: no assertion criteria provided. Collection method: clinical testing. Allele origin: germline.
Comment: This variant is classified as likely benign based on ACMG/AMP sequence variant interpretation guidelines (Richards et al. 2015 PMID: 25741868, with internal and published modifications).

NM_017514.5(PLXNA3):c.4795+7G>T

Gene: PLXNA3 (plexin A3; plus strand). Cytogenetic location: Xq28.
Variant type: single nucleotide variant.
Coding change: c.4795+7G>T on transcript NM_017514.5 (MANE Select); 7 bases into the intron after coding-DNA position 4795, G replaced by T.
Molecular consequence: intron variant.
Genome position (GRCh38, 1-based): chrX:154,469,791, G>T. VCF-style: chrX-154469791-G-T. GRCh37 (hg19) VCF-style: chrX-153698134-G-T.
Identifiers: ClinVar variation 3353444 (VCV003353444.1).